The following is an entry in ClinVar:

NM_022356.4(P3H1):c.1945G>C (p.Val649Leu)

Gene: P3H1 (prolyl 3-hydroxylase 1; minus strand). Cytogenetic location: 1p34.2.
Variant type: single nucleotide variant.
Coding change: c.1945G>C on transcript NM_022356.4 (MANE Select); coding-DNA position 1945, G replaced by C.
Protein change: p.Val649Leu; replaces valine 649 with leucine.
Molecular consequence: missense variant.
Genome position (GRCh38, 1-based): chr1:42,747,382, C>G on the plus strand (G>C on the coding strand, the complement: P3H1 is on the minus strand). VCF-style: chr1-42747382-C-G. GRCh37 (hg19) VCF-style: chr1-43213053-C-G.
Other names: c.1945G>C, p.Val649Leu (NM_001146289.2, NM_001243246.2); short protein forms V649L.
Identifiers: ClinVar variation 842420 (VCV000842420.7), dbSNP rs775492271, ClinGen allele CA339953038.
Genomic context (GRCh38, chr1:42,747,382, plus strand): 5'-GCTGCCCCCTGGTGACAGCCTTCACTCCATGTGGGTTTTCAGTGCCTGAAGAGAATCCCA[C>G]GGCTCTTCCACACTGAGGCTGCACCTCTGCCTAAGGGGGACAGAAAGGGAGGGGGGTTGC-3'
Protein context (NP_071751.3, residues 639-659): AEVQPQCGRA[Val649Leu]GFSSGTENPH

ClinVar aggregate classification (germline): Uncertain significance (1 of 4 stars; one submission).

Conditions:
Osteogenesis imperfecta type 8 (OI8). Identifiers: MedGen C1970458, MONDO:0012581, OMIM 610915.

gnomAD v4.1: 1 of 1,610,946 alleles (0.000062%); highest among the groups gnomAD compares: Non-Finnish European, 0.000085%; no homozygotes.

Submission:

Labcorp Genetics (formerly Invitae), Labcorp
Classification: Uncertain significance for Osteogenesis imperfecta type 8. Last evaluated: 2022-08-23. Review status: criteria provided, single submitter. Criteria: Invitae Variant Classification Sherloc (09022015). Collection method: clinical testing. Allele origin: germline.
Comment: This sequence change replaces valine, which is neutral and non-polar, with leucine, which is neutral and non-polar, at codon 649 of the P3H1 protein (p.Val649Leu). This variant is not present in population databases (gnomAD no frequency). This variant has not been reported in the literature in individuals affected with P3H1-related conditions. ClinVar contains an entry for this variant (Variation ID: 842420). Algorithms developed to predict the effect of missense changes on protein structure and function are either unavailable or do not agree on the potential impact of this missense change (SIFT: "Deleterious"; PolyPhen-2: "Probably Damaging"; Align-GVGD: "Class C0"). In summary, the available evidence is currently insufficient to determine the role of this variant in disease. Therefore, it has been classified as a Variant of Uncertain Significance.